The following is an entry in ClinVar:

ClinVar aggregate classification (germline): Pathogenic (1 of 4 stars; one submission).

Conditions:
Familial thoracic aortic aneurysm and aortic dissection (TAAD). Also called: Thoracic aortic aneurysms and dissections. Identifiers: Orphanet 91387, MedGen C4707243, MONDO:0019625.
Marfan syndrome (MFS). Also called: Marfan syndrome type 1; Marfan syndrome, classic; Marfan's syndrome; FBN1-Related Marfan Syndrome; MARFAN SYNDROME, TYPE I. Identifiers: Orphanet 284963, Orphanet 558, MedGen C0024796, MONDO:0007947, OMIM 154700.

Submission:

Labcorp Genetics (formerly Invitae), Labcorp
Classification: Pathogenic for Marfan syndrome; Familial thoracic aortic aneurysm and aortic dissection. Last evaluated: 2018-01-01. Review status: criteria provided, single submitter. Criteria: Invitae Variant Classification Sherloc (09022015). Collection method: clinical testing. Allele origin: germline.
Comment: For these reasons, this variant has been classified as Pathogenic. Loss-of-function variants in FBN1 are known to be pathogenic (PMID: 17657824, 19293843). This variant has not been reported in the literature in individuals with FBN1-related disease. This variant is not present in population databases (ExAC no frequency). This sequence change creates a premature translational stop signal (p.Lys1335Thrfs*19) in the FBN1 gene. It is expected to result in an absent or disrupted protein product.

Literature cited by the submitters: PubMed 17657824; PubMed 19293843.

NM_000138.5(FBN1):c.4003_4004insCACAACTCTGGCA (p.Lys1335fs)

Gene: FBN1 (fibrillin 1; minus strand). Cytogenetic location: 15q21.1.
Variant type: Insertion.
Coding change: c.4003_4004insCACAACTCTGGCA on transcript NM_000138.5 (MANE Select); coding-DNA positions 4003 to 4004, CACAACTCTGGCA inserted.
Protein change: p.Lys1335fs; shifts the reading frame from lysine 1335.
Molecular consequence: frameshift variant.
Genome position: GRCh38 VCF-style: chr15-48474611-T-TTGCCAGAGTTGTG. GRCh37 (hg19) VCF-style: chr15-48766808-T-TTGCCAGAGTTGTG.
Other names: short protein forms K1335fs.
Identifiers: ClinVar variation 527146 (VCV000527146.6), dbSNP rs1555397733, ClinGen allele CA658798361.
Genomic context (GRCh38, chr15:48,474,611, plus strand): 5'-ATCCACCCGGGACTGCAGCTACATTTGAAGCTTCCTGCTGTATTGGTACATACAGCATGT[T>TTGCCAGAGTTGTG]TGCCACAGTTGTGTGCTCCAATTTCACATTCATTGATGTCTGGAAAAATGAGCAGTGATT-3'